The following is an entry in ClinVar:

ClinVar aggregate classification (germline): Uncertain significance (1 of 4 stars; one submission).

Allele frequency attached by ClinVar (database versions not stated): gnomAD exomes below 0.00001; TOPMed 0.00002.
gnomAD v4.1: 3 of 1,551,586 alleles (0.00019%); highest among the groups gnomAD compares: South Asian, 0.0024%; no homozygotes.

Submission:

Labcorp Genetics (formerly Invitae), Labcorp
Classification: Uncertain significance. Last evaluated: 2022-11-22. Review status: criteria provided, single submitter. Criteria: Invitae Variant Classification Sherloc (09022015). Collection method: clinical testing. Allele origin: germline.
Comment: In summary, the available evidence is currently insufficient to determine the role of this variant in disease. Therefore, it has been classified as a Variant of Uncertain Significance. Algorithms developed to predict the effect of missense changes on protein structure and function are either unavailable or do not agree on the potential impact of this missense change (SIFT: "Deleterious"; PolyPhen-2: "Benign"; Align-GVGD: "Class C0"). This variant has not been reported in the literature in individuals affected with RHOBTB2-related conditions. This variant is not present in population databases (gnomAD no frequency). This sequence change replaces arginine, which is basic and polar, with lysine, which is basic and polar, at codon 5 of the RHOBTB2 protein (p.Arg5Lys).

NC_000008.11:g.22994597G>A

Genes: RHOBTB2-AS1 (RHOBTB2 antisense RNA 1; minus strand), RHOBTB2 (Rho related BTB domain containing 2; plus strand). Cytogenetic location: 8p21.3.
Variant type: single nucleotide variant.
Molecular consequence: missense variant (on NM_001160036.2).
Genome position: GRCh38 VCF-style: chr8-22994597-G-A. GRCh37 (hg19) VCF-style: chr8-22852110-G-A.
Other names: c.14G>A, p.Arg5Lys (NM_001160036.2); short protein forms R5K.
Identifiers: ClinVar variation 1965511 (VCV001965511.5), dbSNP rs1230512440, ClinGen allele CA370554675.